The following is an entry in ClinVar:

NM_000245.4(MET):c.105G>T (p.Met35Ile)

Gene: MET (MET proto-oncogene, receptor tyrosine kinase; plus strand). Cytogenetic location: 7q31.2.
Variant type: single nucleotide variant.
Coding change: c.105G>T on transcript NM_000245.4 (MANE Select); coding-DNA position 105, G replaced by T.
Protein change: p.Met35Ile; replaces methionine 35 with isoleucine.
Molecular consequence: missense variant. On other transcripts: intron variant (1).
Genome position (GRCh38, 1-based): chr7:116,699,189, G>T. VCF-style: chr7-116699189-G-T. GRCh37 (hg19) VCF-style: chr7-116339243-G-T.
Other names: c.105G>T, p.Met35Ile (NM_001127500.3, NM_001324401.3); c.-91+26612G>T (NM_001324402.2); short protein forms M35I.
Identifiers: ClinVar variation 1780017 (VCV001780017.5), dbSNP rs376244358, ClinGen allele CA368968351.

ClinVar aggregate classification (germline): Uncertain significance. Review status: criteria provided, multiple submitters, no conflicts (2 of 4 stars). 3 submissions from 3 submitters: Uncertain significance (3). Last evaluated 2024-09-15.

Conditions:
Autosomal recessive nonsyndromic hearing loss 97. Also called: Deafness, autosomal recessive 97. Identifiers: Orphanet 90636, MedGen C4084709, MONDO:0014739, OMIM 616705.
Hereditary cancer-predisposing syndrome. Also called: Neoplastic Syndromes, Hereditary; Tumor predisposition; Hereditary Cancer Syndrome; Hereditary neoplastic syndrome. Identifiers: Orphanet 140162, MedGen C0027672, MeSH D009386, MONDO:0015356.
Renal cell carcinoma. Identifiers: Orphanet 217071, MedGen C0007134, MeSH D002292, MONDO:0005086, HP:0005584.

Submissions (3):

Labcorp Genetics (formerly Invitae), Labcorp
Classification: Uncertain significance for Renal cell carcinoma. Last evaluated: 2024-09-15. Review status: criteria provided, single submitter. Criteria: Invitae Variant Classification Sherloc (09022015). Collection method: clinical testing. Allele origin: germline.
Comment: This sequence change replaces methionine, which is neutral and non-polar, with isoleucine, which is neutral and non-polar, at codon 35 of the MET protein (p.Met35Ile). This variant is not present in population databases (gnomAD no frequency). This variant has not been reported in the literature in individuals affected with MET-related conditions. ClinVar contains an entry for this variant (Variation ID: 1780017). Invitae Evidence Modeling of protein sequence and biophysical properties (such as structural, functional, and spatial information, amino acid conservation, physicochemical variation, residue mobility, and thermodynamic stability) indicates that this missense variant is not expected to disrupt MET protein function with a negative predictive value of 80%. In summary, the available evidence is currently insufficient to determine the role of this variant in disease. Therefore, it has been classified as a Variant of Uncertain Significance.

Baylor Genetics
Classification: Uncertain significance for Autosomal recessive nonsyndromic hearing loss 97. Last evaluated: 2023-05-12. Review status: criteria provided, single submitter. Criteria: ACMG Guidelines, 2015. Collection method: clinical testing. Allele origin: unknown.

Ambry Genetics
Classification: Uncertain significance for Hereditary cancer-predisposing syndrome. Last evaluated: 2020-06-18. Review status: criteria provided, single submitter. Criteria: Ambry Variant Classification Scheme 2023. Collection method: clinical testing. Allele origin: germline.
Comment: The p.M35I variant (also known as c.105G>T), located in coding exon 1 of the MET gene, results from a G to T substitution at nucleotide position 105. The methionine at codon 35 is replaced by isoleucine, an amino acid with highly similar properties. This amino acid position is well conserved in available vertebrate species. In addition, this alteration is predicted to be tolerated by in silico analysis. Since supporting evidence is limited at this time, the clinical significance of this alteration remains unclear.